The following is an entry in ClinVar:

NM_001018072.2(ABTB3):c.2088T>G (p.Ala696=)

Gene: ABTB3 (ankyrin repeat and BTB domain containing 3; plus strand). Cytogenetic location: 12q23.3.
Variant type: single nucleotide variant.
Coding change: c.2088T>G on transcript NM_001018072.2 (MANE Select); coding-DNA position 2088, T replaced by G.
Protein change: p.Ala696=; no amino-acid change (alanine 696 retained).
Molecular consequence: synonymous variant.
Genome position (GRCh38, 1-based): chr12:107,617,175, T>G. VCF-style: chr12-107617175-T-G. GRCh37 (hg19) VCF-style: chr12-108010952-T-G.
Other names: c.699T>G, p.Ala233= (NM_001017523.2); c.2088T>G, p.Ala696= (NM_001347943.2); c.990T>G, p.Ala330= (NM_001347944.1).
Identifiers: ClinVar variation 2643262 (VCV002643262.24), dbSNP rs145621368, ClinGen allele CA6764913.

ClinVar aggregate classification (germline): Likely benign (1 of 4 stars; one submission).

Allele frequency attached by ClinVar (database versions not stated): 1000 Genomes Project 30x 0.00094; 1000 Genomes Project 0.00100; TOPMed 0.00301; ESP Exome Variant Server 0.00315; gnomAD 0.00328; ExAC 0.00381; gnomAD exomes 0.00409.
gnomAD v4.1: 6,480 of 1,614,140 alleles (0.4%); highest among the groups gnomAD compares: Non-Finnish European, 0.48%; 13 homozygotes.

Submission:

CeGaT Center for Human Genetics Tuebingen
Classification: Likely benign. Last evaluated: 2023-02-01. Review status: criteria provided, single submitter. Criteria: CeGaT Center For Human Genetics Tuebingen Variant Classification Criteria Version 2. Collection method: clinical testing. Allele origin: germline. Affected: yes. Observed: 1 variant allele.
Comment: ABTB3: BP4, BP7, BS2